The following is an entry in ClinVar:

ClinVar aggregate classification (germline): Uncertain significance (1 of 4 stars; one submission).

Submission:

GeneDx
Classification: Uncertain significance. Last evaluated: 2022-03-11. Review status: criteria provided, single submitter. Criteria: GeneDx Variant Classification Process June 2021. Collection method: clinical testing. Allele origin: germline. Affected: yes.
Comment: Not observed at significant frequency in large population cohorts (gnomAD); In-frame deletion of 2 amino acids in a non-repeat region; In silico analysis supports that this variant does not alter protein structure/function; Has not been previously published as pathogenic or benign to our knowledge

NM_007118.4(TRIO):c.7349GGGCCG[1] (p.Gly2452_Ala2453del)

Gene: TRIO (trio Rho guanine nucleotide exchange factor; plus strand). Cytogenetic location: 5p15.2.
Variant type: Microsatellite.
Coding change: c.7349GGGCCG[1] on transcript NM_007118.4 (MANE Select); one copy of the 6-base unit GGGCCG starting at c.7349; the reference has two copies in a row; one copy, 6 bases deleted; also written c.7355_7360del.
Protein change: p.Gly2452_Ala2453del.
Molecular consequence: inframe deletion.
Genome position (GRCh38, 1-based): chr5:14,487,983-14,487,988, GGGCCG deleted; deleting any 6 consecutive bases within chr5:14,487,977-14,487,988 gives the same sequence; the position shown is the placement nearest the transcript's 3' end. VCF-style (leftmost placement, unchanged base first): chr5-14487976-CGGGCCG-C. GRCh37 (hg19) VCF-style: chr5-14488085-CGGGCCG-C.
Other names: c.7355_7360del (NM_007118.4).
Identifiers: ClinVar variation 1706906 (VCV001706906.2), dbSNP rs1161515486, ClinGen allele CA805090896.